The following is an entry in ClinVar:

ClinVar aggregate classification (germline): Benign. Review status: criteria provided, multiple submitters, no conflicts (2 of 4 stars). 2 submissions from 2 submitters: Benign (2). Last evaluated 2018-01-13.

Conditions:
BAP1-related tumor predisposition syndrome (TPDS1). Also called: Tumor susceptibility linked to germline BAP1 mutations; COMMON Syndrome; TUMOR PREDISPOSITION SYNDROME 1; BAP1 tumor predisposition syndrome. Identifiers: Orphanet 289539, MedGen C3280492, MONDO:0013692, OMIM 614327.

Allele frequency attached by ClinVar (database versions not stated): 1000 Genomes Project 0.00080; TOPMed 0.00081; 1000 Genomes Project 30x 0.00109.
gnomAD v4.1: 133 of 239,596 alleles (0.056%); highest among the groups gnomAD compares: African/African-American, 0.28%; no homozygotes.

Submissions (2):

Illumina Laboratory Services, Illumina
Classification: Benign for BAP1-related tumor predisposition syndrome. Last evaluated: 2018-01-13. Review status: criteria provided, single submitter. Criteria: ICSL Variant Classification Criteria 13 December 2019. Collection method: clinical testing. Allele origin: germline.
Comment: This variant was observed in the ICSL laboratory as part of a predisposition screen in an ostensibly healthy population. It had not been previously curated by ICSL or reported in the Human Gene Mutation Database (HGMD: prior to June 1st, 2018), and was therefore a candidate for classification through an automated scoring system. Utilizing variant allele frequency, disease prevalence and penetrance estimates, and inheritance mode, an automated score was calculated to assess if this variant is too frequent to cause the disease. Based on the score and internal cut-off values, a variant classified as benign is not then subjected to further curation. The score for this variant resulted in a classification of benign for this disease.

Breakthrough Genomics
Classification: Benign. Review status: criteria provided, single submitter. Criteria: ACMG Guidelines, 2015. Collection method: not provided. Allele origin: germline. Inheritance: Autosomal dominant inheritance. Affected: yes.

NM_004656.4(BAP1):c.*573G>A

Gene: BAP1 (BRCA1 associated deubiquitinase 1; minus strand). Cytogenetic location: 3p21.1.
Variant type: single nucleotide variant.
Coding change: c.*573G>A on transcript NM_004656.4 (MANE Select); 573 bases downstream of the stop codon, G replaced by A.
Molecular consequence: 3 prime UTR variant.
Genome position (GRCh38, 1-based): chr3:52,401,715, C>T on the plus strand (G>A on the coding strand, the complement: BAP1 is on the minus strand). VCF-style: chr3-52401715-C-T. GRCh37 (hg19) VCF-style: chr3-52435731-C-T.
Identifiers: ClinVar variation 901627 (VCV000901627.5), dbSNP rs144145384, ClinGen allele CA74739568.